The following is an entry in ClinVar:

ClinVar aggregate classification (germline): Uncertain significance. Review status: criteria provided, multiple submitters, no conflicts (2 of 4 stars). 3 submissions from 3 submitters: Uncertain significance (3). Last evaluated 2025-12-17.

Conditions:
McKusick-Kaufman syndrome (MKKS). Also called: HYDROMETROCOLPOS SYNDROME; HYDROMETROCOLPOS, POSTAXIAL POLYDACTYLY, AND CONGENITAL HEART MALFORMATION. Identifiers: Orphanet 2473, MedGen C0948368, MONDO:0009367, OMIM 236700.
Bardet-Biedl syndrome 6 (BBS6). Identifiers: Orphanet 110, MedGen C1858054, MONDO:0011523, OMIM 605231.
Inborn genetic diseases. Identifiers: MedGen C0950123, MeSH D030342.
MKKS-related disorder. Also called: MKKS-related condition; MKKS-related disorders.

Submissions (3):

PreventionGenetics, part of Exact Sciences
Classification: Uncertain significance for MKKS-related condition. Last evaluated: 2025-12-17. Review status: criteria provided, single submitter. Criteria: ACMG Guidelines, 2015. Collection method: clinical testing. Allele origin: germline.
Comment: The MKKS c.868C>G variant is predicted to result in the amino acid substitution p.Leu290Val. To our knowledge, this variant has not been reported in the literature or in a large population database (gnomAD), indicating this variant is rare. At this time, the clinical significance of this variant is uncertain due to the absence of conclusive functional and genetic evidence.

Ambry Genetics
Classification: Uncertain significance for Inborn genetic diseases. Last evaluated: 2025-11-26. Review status: criteria provided, single submitter. Criteria: Ambry Variant Classification Scheme 2023. Collection method: clinical testing. Allele origin: germline.

Fulgent Genetics
Classification: Uncertain significance for McKusick-Kaufman syndrome; Bardet-Biedl syndrome 6. Last evaluated: 2024-05-23. Review status: criteria provided, single submitter. Criteria: ACMG Guidelines, 2015. Collection method: clinical testing. Allele origin: germline.

NM_170784.3(MKKS):c.868C>G (p.Leu290Val)

Gene: MKKS (MKKS centrosomal shuttling protein; minus strand). Cytogenetic location: 20p12.2.
Variant type: single nucleotide variant.
Coding change: c.868C>G on transcript NM_170784.3 (MANE Select); coding-DNA position 868, C replaced by G.
Protein change: p.Leu290Val; replaces leucine 290 with valine.
Molecular consequence: missense variant.
Genome position (GRCh38, 1-based): chr20:10,412,647, G>C on the plus strand (C>G on the coding strand, the complement: MKKS is on the minus strand). VCF-style: chr20-10412647-G-C. GRCh37 (hg19) VCF-style: chr20-10393295-G-C.
Other names: c.868C>G, p.Leu290Val (NM_018848.3); c.868C>G (NM_018848.2); short protein forms L290V.
Identifiers: ClinVar variation 3587040 (VCV003587040.3).